The following is an entry in ClinVar:

ClinVar aggregate classification (germline): Uncertain significance (1 of 4 stars; one submission).

Conditions:
Capillary malformation-arteriovenous malformation syndrome. Also called: Capillary malformation-arteriovenous malformation. Identifiers: Orphanet 137667, MedGen C1842180, MONDO:0012016.

Submission:

Labcorp Genetics (formerly Invitae), Labcorp
Classification: Uncertain significance for Capillary malformation-arteriovenous malformation syndrome. Last evaluated: 2018-09-10. Review status: criteria provided, single submitter. Criteria: Invitae Variant Classification Sherloc (09022015). Collection method: clinical testing. Allele origin: germline.
Comment: This sequence change falls in intron 6 of the RASA1 gene. It does not directly change the encoded amino acid sequence of the RASA1 protein, but it affects a nucleotide within the consensus splice site of the intron. This variant is not present in population databases (ExAC no frequency). This variant has not been reported in the literature in individuals with RASA1-related disease. Nucleotide substitutions within the consensus splice site are a relatively common cause of aberrant splicing (PMID: 17576681, 9536098). Algorithms developed to predict the effect of sequence changes on RNA splicing suggest that this variant may disrupt the consensus splice site, but this prediction has not been confirmed by published transcriptional studies. In summary, the available evidence is currently insufficient to determine the role of this variant in disease. Therefore, it has been classified as a Variant of Uncertain Significance.

Literature cited by the submitters: PubMed 17576681; PubMed 9536098.

NM_002890.3(RASA1):c.1049+5G>T

Genes: CCNH (cyclin H; minus strand), RASA1 (RAS p21 protein activator 1; plus strand). Cytogenetic location: 5q14.3.
Variant type: single nucleotide variant.
Coding change: c.1049+5G>T on transcript NM_002890.3 (MANE Select); 5 bases into the intron after coding-DNA position 1049, G replaced by T.
Molecular consequence: intron variant.
Genome position (GRCh38, 1-based): chr5:87,341,326, G>T. VCF-style: chr5-87341326-G-T. GRCh37 (hg19) VCF-style: chr5-86637143-G-T.
Other names: c.518+5G>T (NM_022650.3); c.934-28531C>A (NM_001364075.2).
Identifiers: ClinVar variation 657109 (VCV000657109.8), dbSNP rs1580307103, ClinGen allele CA915943437.
Genomic context (GRCh38, chr5:87,341,326, plus strand): 5'-ACTGTCTTAATGTCTTCCCTTTAGGGCCGGGAAGAAGATCCACATGAAGGAAAAATGTGA[G>T]TTTGTGTTAATTATTAAAATGAAAAAAAAAATCTATATTGTAAATTTACTAATTGGAAAA-3'